The following is an entry in ClinVar:

NM_139057.4(ADAMTS17):c.998C>T (p.Pro333Leu)

Gene: ADAMTS17 (ADAM metallopeptidase with thrombospondin type 1 motif 17; minus strand). Cytogenetic location: 15q26.3.
Variant type: single nucleotide variant.
Coding change: c.998C>T on transcript NM_139057.4 (MANE Select); coding-DNA position 998, C replaced by T.
Protein change: p.Pro333Leu; replaces proline 333 with leucine.
Molecular consequence: missense variant.
Genome position (GRCh38, 1-based): chr15:100,261,512, G>A on the plus strand (C>T on the coding strand, the complement: ADAMTS17 is on the minus strand). VCF-style: chr15-100261512-G-A. GRCh37 (hg19) VCF-style: chr15-100801717-G-A.
Other names: short protein forms P333L.
Identifiers: ClinVar variation 315306 (VCV000315306.12), dbSNP rs771992023, ClinGen allele CA7758453.

ClinVar aggregate classification (germline): Uncertain significance. Review status: criteria provided, multiple submitters, no conflicts (2 of 4 stars). 2 submissions from 2 submitters: Uncertain significance (2). Last evaluated 2024-10-15.

Conditions:
Weill-Marchesani 4 syndrome, recessive. Also called: Weill-Marchesani syndrome 4. Identifiers: Orphanet 363992, MedGen C2750787, MONDO:0013176, OMIM 613195.

Allele frequency attached by ClinVar (database versions not stated): gnomAD exomes 0.00002 and 0.00004; ExAC 0.00005; TOPMed 0.00005; gnomAD 0.00008.
gnomAD v4.1: 74 of 1,614,142 alleles (0.0046%); highest among the groups gnomAD compares: Middle Eastern, 0.017%; no homozygotes.

Submissions (2):

Labcorp Genetics (formerly Invitae), Labcorp
Classification: Uncertain significance. Last evaluated: 2024-10-15. Review status: criteria provided, single submitter. Criteria: Invitae Variant Classification Sherloc (09022015). Collection method: clinical testing. Allele origin: germline.
Comment: This sequence change replaces proline with leucine at codon 333 of the ADAMTS17 protein (p.Pro333Leu). The proline residue is weakly conserved and there is a moderate physicochemical difference between proline and leucine. This variant is present in population databases (rs771992023, gnomAD 0.005%). This variant has not been reported in the literature in individuals affected with ADAMTS17-related conditions. ClinVar contains an entry for this variant (Variation ID: 315306). An algorithm developed to predict the effect of missense changes on protein structure and function (PolyPhen-2) suggests that this variant¬†is likely to be tolerated. In summary, the available evidence is currently insufficient to determine the role of this variant in disease. Therefore, it has been classified as a Variant of Uncertain Significance.

Illumina Laboratory Services, Illumina
Classification: Uncertain significance for Weill-Marchesani 4 syndrome, recessive. Last evaluated: 2018-01-13. Review status: criteria provided, single submitter. Criteria: ICSL Variant Classification Criteria 13 December 2019. Collection method: clinical testing. Allele origin: germline.